The following is an entry in ClinVar:

ClinVar aggregate classification (germline): Uncertain significance (1 of 4 stars; one submission).

Submission:

Labcorp Genetics (formerly Invitae), Labcorp
Classification: Uncertain significance. Last evaluated: 2022-10-17. Review status: criteria provided, single submitter. Criteria: Invitae Variant Classification Sherloc (09022015). Collection method: clinical testing. Allele origin: germline.
Comment: This sequence change replaces lysine, which is basic and polar, with asparagine, which is neutral and polar, at codon 330 of the IFT74 protein (p.Lys330Asn). This variant is not present in population databases (gnomAD no frequency). This variant has not been reported in the literature in individuals affected with IFT74-related conditions. Algorithms developed to predict the effect of missense changes on protein structure and function are either unavailable or do not agree on the potential impact of this missense change (SIFT: "Deleterious"; PolyPhen-2: "Benign"; Align-GVGD: "Class C0"). In summary, the available evidence is currently insufficient to determine the role of this variant in disease. Therefore, it has been classified as a Variant of Uncertain Significance.

NM_025103.4(IFT74):c.990A>T (p.Lys330Asn)

Gene: IFT74 (intraflagellar transport 74; plus strand). Cytogenetic location: 9p21.2.
Variant type: single nucleotide variant.
Coding change: c.990A>T on transcript NM_025103.4 (MANE Select); coding-DNA position 990, A replaced by T.
Protein change: p.Lys330Asn; replaces lysine 330 with asparagine.
Molecular consequence: missense variant.
Genome position (GRCh38, 1-based): chr9:27,029,040, A>T. VCF-style: chr9-27029040-A-T. GRCh37 (hg19) VCF-style: chr9-27029038-A-T.
Other names: c.990A>T, p.Lys330Asn (NM_001099222.3, NM_001099223.3, NM_001099224.3 and 1 more transcripts); short protein forms K330N.
Identifiers: ClinVar variation 1995232 (VCV001995232.4), dbSNP rs2489561354, ClinGen allele CA373122235.